The following is an entry in ClinVar:

NM_001242896.3(DEPDC5):c.3696+2dup

Gene: DEPDC5 (DEP domain containing 5, GATOR1 subcomplex subunit; plus strand). Cytogenetic location: 22q12.3.
Variant type: Duplication.
Coding change: c.3696+2dup on transcript NM_001242896.3 (MANE Select); the canonical splice donor site of the intron after coding-DNA position 3696, one base duplicated (T; older notation c.3696+2dupT).
Molecular consequence: splice donor variant.
Genome position (GRCh38, 1-based): chr22:31,874,407, T duplicated. VCF-style (leftmost placement, unchanged base first): chr22-31874406-G-GT. GRCh37 (hg19) VCF-style: chr22-32270392-G-GT.
Other names: c.3696+2dup (NM_001364318.2); c.3669+2dup (NM_001136029.4); c.3603+2dup (NM_014662.6, NM_001369903.1); c.3630+2dup (NM_001363852.2, NM_001364320.2); c.3462+2dup (NM_001363854.2, NM_001364319.2); c.3396+2dup (NM_001242897.2); c.3612+2dup (NM_001369902.1, NM_001369901.1).
Identifiers: ClinVar variation 2852801 (VCV002852801.3), dbSNP rs2522420988, ClinGen allele CA2739267927.

ClinVar aggregate classification (germline): Uncertain significance (1 of 4 stars; one submission).

Conditions:
Familial focal epilepsy with variable foci (FPEVF). Identifiers: Orphanet 98820, MedGen C1858477, MONDO:0020310.

Submission:

Labcorp Genetics (formerly Invitae), Labcorp
Classification: Uncertain significance for Familial focal epilepsy with variable foci. Last evaluated: 2023-05-20. Review status: criteria provided, single submitter. Criteria: Invitae Variant Classification Sherloc (09022015). Collection method: clinical testing. Allele origin: germline.
Comment: Variants that disrupt the consensus splice site are a relatively common cause of aberrant splicing (PMID: 17576681, 9536098). Algorithms developed to predict the effect of sequence changes on RNA splicing suggest that this variant may disrupt the consensus splice site. This variant has not been reported in the literature in individuals affected with DEPDC5-related conditions. This variant is not present in population databases (gnomAD no frequency). This sequence change falls in intron 36 of the DEPDC5 gene. It does not directly change the encoded amino acid sequence of the DEPDC5 protein. It affects a nucleotide within the consensus splice site. In summary, the available evidence is currently insufficient to determine the role of this variant in disease. Therefore, it has been classified as a Variant of Uncertain Significance.

Literature cited by the submitters: PubMed 17576681; PubMed 9536098.